The following is an entry in ClinVar:

NM_004370.6(COL12A1):c.4933C>T (p.Pro1645Ser)

Gene: COL12A1 (collagen type XII alpha 1 chain; minus strand). Cytogenetic location: 6q13.
Variant type: single nucleotide variant.
Coding change: c.4933C>T on transcript NM_004370.6 (MANE Select); coding-DNA position 4933, C replaced by T.
Protein change: p.Pro1645Ser; replaces proline 1645 with serine.
Molecular consequence: missense variant.
Genome position (GRCh38, 1-based): chr6:75,142,056, G>A on the plus strand (C>T on the coding strand, the complement: COL12A1 is on the minus strand). VCF-style: chr6-75142056-G-A. GRCh37 (hg19) VCF-style: chr6-75851772-G-A.
Other names: p.Pro1645Ser; c.4933C>T, p.Pro1645Ser (NM_001424113.1, NM_001424114.1); c.4660C>T, p.Pro1554Ser (NM_001424115.1); c.1441C>T, p.Pro481Ser (NM_001424116.1, NM_080645.3); short protein forms P481S, P1554S, P1645S.
Identifiers: ClinVar variation 4541186 (VCV004541186.1).

ClinVar aggregate classification (germline): Uncertain significance (1 of 4 stars; one submission).

Submission:

Mayo Clinic Laboratories, Mayo Clinic
Classification: Uncertain significance. Last evaluated: 2025-11-06. Review status: criteria provided, single submitter. Criteria: ACMG Guidelines, 2015. Collection method: clinical testing. Allele origin: germline. Observed: 1 variant allele.
Comment: BP4, PM2_supporting